The following is an entry in ClinVar:

NM_001079559.3(HNRNPUL2):c.409G>T (p.Gly137Trp)

Genes: HNRNPUL2 (heterogeneous nuclear ribonucleoprotein U like 2; minus strand), HNRNPUL2-BSCL2 (HNRNPUL2-BSCL2 readthrough (NMD candidate); minus strand). Cytogenetic location: 11q12.3.
Variant type: single nucleotide variant.
Coding change: c.409G>T on transcript NM_001079559.3 (MANE Select); coding-DNA position 409, G replaced by T.
Protein change: p.Gly137Trp; replaces glycine 137 with tryptophan.
Molecular consequence: missense variant. On other transcripts: non-coding transcript variant (1).
Genome position (GRCh38, 1-based): chr11:62,726,748, C>A on the plus strand (G>T on the coding strand, the complement: HNRNPUL2 is on the minus strand). VCF-style: chr11-62726748-C-A. GRCh37 (hg19) VCF-style: chr11-62494220-C-A.
Other names: short protein forms G137W.
Identifiers: ClinVar variation 4885681 (VCV004885681.2).

ClinVar aggregate classification (germline): Uncertain significance (1 of 4 stars; one submission).

gnomAD v4.1: 6 of 1,600,954 alleles (0.00037%); highest among the groups gnomAD compares: African/African-American, 0.0067%; no homozygotes.

Submission:

Dasa
Classification: Uncertain significance. Last evaluated: 2025-12-24. Review status: criteria provided, single submitter. Criteria: DASA Assertion Criteria. Collection method: clinical testing. Allele origin: germline.
Comment: NM_001079559.3(HNRNPUL2):c.409G>T (p.Gly137Trp) is a missense variant that results in the substitution of glycine with tryptophan. This variant is rare in population databases. Computational prediction algorithms are consistent with a benign effect. The currently available literature and clinical evidence are not sufficient to establish a definitive association between this variant and the reported condition. Therefore, this variant is classified as a variant of uncertain significance.